The following is an entry in ClinVar:

ClinVar aggregate classification (germline): Uncertain significance (1 of 4 stars; one submission).

Conditions:
Familial adenomatous polyposis 1 (FAP1). Also called: POLYPOSIS, ADENOMATOUS INTESTINAL; FAMILIAL ADENOMATOUS POLYPOSIS 1, ATTENUATED. Identifiers: MedGen C2713442, MONDO:0021056, OMIM 175100. Disease mechanism: loss of function.

Submission:

Labcorp Genetics (formerly Invitae), Labcorp
Classification: Uncertain significance for Familial adenomatous polyposis 1. Last evaluated: 2026-01-26. Review status: criteria provided, single submitter. Criteria: Invitae Variant Classification Sherloc (09022015). Collection method: clinical testing. Allele origin: germline.
Comment: This sequence change replaces asparagine, which is neutral and polar, with aspartic acid, which is acidic and polar, at codon 1966 of the APC protein (p.Asn1966Asp). This variant is not present in population databases (gnomAD no frequency). This variant has not been reported in the literature in individuals affected with APC-related conditions. ClinVar contains an entry for this variant (Variation ID: 652640). Invitae Evidence Modeling of protein sequence and biophysical properties (such as structural, functional, and spatial information, amino acid conservation, physicochemical variation, residue mobility, and thermodynamic stability) indicates that this missense variant is not expected to disrupt APC protein function with a negative predictive value of 95%. In summary, the available evidence is currently insufficient to determine the role of this variant in disease. Therefore, it has been classified as a Variant of Uncertain Significance.

NM_000038.6(APC):c.5896A>G (p.Asn1966Asp)

Gene: APC (APC regulator of Wnt signaling pathway; plus strand). Cytogenetic location: 5q22.2.
Variant type: single nucleotide variant.
Coding change: c.5896A>G on transcript NM_000038.6 (MANE Select); coding-DNA position 5896, A replaced by G.
Protein change: p.Asn1966Asp; replaces asparagine 1966 with aspartic acid.
Molecular consequence: missense variant.
Genome position (GRCh38, 1-based): chr5:112,841,490, A>G. VCF-style: chr5-112841490-A-G. GRCh37 (hg19) VCF-style: chr5-112177187-A-G.
Other names: c.5896A>G, p.Asn1966Asp (NM_001127510.3, NM_001354895.2); c.5842A>G, p.Asn1948Asp (NM_001127511.3); c.5950A>G, p.Asn1984Asp (NM_001354896.2); c.5926A>G, p.Asn1976Asp (NM_001354897.2); c.5821A>G, p.Asn1941Asp (NM_001354898.2); c.5812A>G, p.Asn1938Asp (NM_001354899.2); c.5773A>G, p.Asn1925Asp (NM_001354900.2); c.5719A>G, p.Asn1907Asp (NM_001354901.2); and 5 more; short protein forms N1907D, N1938D, N1948D, N1683D, N1806D, N1875D, N1925D, N1966D.
Identifiers: ClinVar variation 652640 (VCV000652640.12), dbSNP rs1580665309, ClinGen allele CA16034233.